The following is an entry in ClinVar:

ClinVar aggregate classification (germline): Likely benign (0 of 4 stars; one submission).

Conditions:
PHF6-related disorder. Also called: PHF6-related condition.

gnomAD v4.1: 1 of 1,202,959 alleles (0.000083%); highest among the groups gnomAD compares: South Asian, 0.0018%; no homozygotes.

Submission:

PreventionGenetics, part of Exact Sciences
Classification: Likely benign for PHF6-related condition. Last evaluated: 2024-03-23. Review status: no assertion criteria provided. Collection method: clinical testing. Allele origin: germline.
Comment: This variant is classified as likely benign based on ACMG/AMP sequence variant interpretation guidelines (Richards et al. 2015 PMID: 25741868, with internal and published modifications).

NM_001015877.2(PHF6):c.730-8T>C

Gene: PHF6 (PHD finger protein 6; plus strand). Cytogenetic location: Xq26.2.
Variant type: single nucleotide variant.
Coding change: c.730-8T>C on transcript NM_001015877.2 (MANE Select); 8 bases into the intron before coding-DNA position 730, T replaced by C.
Molecular consequence: intron variant.
Genome position (GRCh38, 1-based): chrX:134,415,008, T>C. VCF-style: chrX-134415008-T-C. GRCh37 (hg19) VCF-style: chrX-133549038-T-C.
Other names: c.730-8T>C (NM_032458.3); c.733-8T>C (NM_032335.3).
Identifiers: ClinVar variation 3350150 (VCV003350150.1).